The following is an entry in ClinVar:

ClinVar aggregate classification (germline): Uncertain significance (1 of 4 stars; one submission).

Allele frequency attached by ClinVar (database versions not stated): gnomAD exomes below 0.00001.

Submission:

GeneDx
Classification: Uncertain significance. Last evaluated: 2026-09-23. Review status: criteria provided, single submitter. Criteria: GeneDx Variant Classification Process June 2021. Collection method: clinical testing. Allele origin: germline.
Comment: Not observed at significant frequency in large population cohorts (gnomAD); In silico analysis supports that this missense variant has a deleterious effect on protein structure/function; Has not been previously published as pathogenic or benign to our knowledge

NM_001308093.3(GATA4):c.721G>A (p.Ala241Thr)

Gene: GATA4 (GATA binding protein 4). Cytogenetic location: 8p23.1.
Variant type: single nucleotide variant.
Coding change: c.721G>A on transcript NM_001308093.3 (MANE Select); coding-DNA position 721, G replaced by A.
Protein change: p.Ala241Thr; replaces alanine 241 with threonine.
Molecular consequence: missense variant.
Genome position (GRCh38, 1-based): chr8:11,749,020, G>A. VCF-style: chr8-11749020-G-A. GRCh37 (hg19) VCF-style: chr8-11606529-G-A.
Other names: c.100G>A, p.Ala34Thr (NM_001308094.2, NM_001374273.1, NM_001374274.1); c.718G>A, p.Ala240Thr (NM_002052.5); short protein forms A240T, A241T, A34T.
Identifiers: ClinVar variation 2446230 (VCV002446230.2), dbSNP rs1220804055, ClinGen allele CA370312749.